The following is an entry in ClinVar:

ClinVar aggregate classification (germline): Uncertain significance (1 of 4 stars; one submission).

Submission:

GeneDx
Classification: Uncertain significance. Last evaluated: 2021-12-30. Review status: criteria provided, single submitter. Criteria: GeneDx Variant Classification Process June 2021. Collection method: clinical testing. Allele origin: germline. Affected: yes.
Comment: Not observed at significant frequency in large population cohorts (gnomAD); In silico analysis supports that this missense variant has a deleterious effect on protein structure/function; Has not been previously published as pathogenic or benign to our knowledge

NM_004423.4(DVL3):c.1580C>G (p.Pro527Arg)

Gene: DVL3 (dishevelled segment polarity protein 3; plus strand). Cytogenetic location: 3q27.1.
Variant type: single nucleotide variant.
Coding change: c.1580C>G on transcript NM_004423.4 (MANE Select); coding-DNA position 1580, C replaced by G.
Protein change: p.Pro527Arg; replaces proline 527 with arginine.
Molecular consequence: missense variant.
Genome position (GRCh38, 1-based): chr3:184,170,087, C>G. VCF-style: chr3-184170087-C-G. GRCh37 (hg19) VCF-style: chr3-183887875-C-G.
Other names: short protein forms P527R.
Identifiers: ClinVar variation 1693339 (VCV001693339.2), dbSNP rs2109023719, ClinGen allele CA355414912.